The following is an entry in ClinVar:

ClinVar aggregate classification (germline): Uncertain significance (1 of 4 stars; one submission).

Conditions:
Oculocutaneous albinism type 1B (OCA1B). Also called: ALBINISM, OCULOCUTANEOUS, TYPE IB; ALBINISM, YELLOW MUTANT TYPE; YELLOW ALBINISM. Identifiers: Orphanet 352731, Orphanet 352737, Orphanet 79434, MedGen C1847024, MONDO:0011749, OMIM 606952.
Oculocutaneous albinism type 1A (OCA1A). Also called: Albinism, oculocutaneous, type IA. Identifiers: Orphanet 352731, Orphanet 79431, MedGen C4551504, MONDO:0008745, OMIM 203100. Disease mechanism: loss of function.

Submission:

Laboratory of Genetic Epidemiology, Research Centre for Medical Genetics
Classification: Uncertain significance for Oculocutaneous albinism type 1A; Oculocutaneous albinism type 1B. Last evaluated: 2025-01-01. Review status: criteria provided, single submitter. Criteria: ACMG Guidelines, 2015. Collection method: clinical testing. Allele origin: unknown. Inheritance: Autosomal recessive inheritance. Affected: yes. Observed: 1 heterozygote.
Comment: This variant has been previously reported in the literature (PMID: 19060277) and is not listed in gnomAD v3.1.2. The affected amino acid position is evolutionarily conserved, and multiple in silico prediction tools support a deleterious effect. Taken together, the variant meets the following ACMG/AMP criteria and can be classified as uncertain significance with PM2, PP3, PP4 criteria.

Literature cited by the submitters: PubMed 19060277; PubMed 41428507.

NM_000372.5(TYR):c.1279G>T (p.Val427Phe)

Gene: TYR (tyrosinase; plus strand). Cytogenetic location: 11q14.3.
Variant type: single nucleotide variant.
Coding change: c.1279G>T on transcript NM_000372.5 (MANE Select); coding-DNA position 1279, G replaced by T.
Protein change: p.Val427Phe; replaces valine 427 with phenylalanine.
Molecular consequence: missense variant.
Genome position (GRCh38, 1-based): chr11:89,284,867, G>T. VCF-style: chr11-89284867-G-T. GRCh37 (hg19) VCF-style: chr11-89018035-G-T.
Other names: short protein forms V427F.
Identifiers: ClinVar variation 4077114 (VCV004077114.1).
Genomic context (GRCh38, chr11:89,284,867, plus strand): 5'-CTTCAAGAAGTTTATCCAGAAGCCAATGCACCCATTGGACATAACCGGGAATCCTACATG[G>T]TTCCTTTTATACCACTGTACAGAAATGGTGATTTCTTTATTTCATCCAAAGATCTGGGCT-3'
Protein context (NP_000363.1, residues 417-437): PIGHNRESYM[Val427Phe]PFIPLYRNGD